The following is an entry in ClinVar:

NM_000256.3(MYBPC3):c.3814G>A (p.Val1272Met)

Gene: MYBPC3 (myosin binding protein C3; minus strand). Cytogenetic location: 11p11.2.
Variant type: single nucleotide variant.
Coding change: c.3814G>A on transcript NM_000256.3 (MANE Select); coding-DNA position 3814, G replaced by A.
Protein change: p.Val1272Met; replaces valine 1272 with methionine.
Molecular consequence: missense variant.
Genome position (GRCh38, 1-based): chr11:47,332,072, C>T on the plus strand (G>A on the coding strand, the complement: MYBPC3 is on the minus strand). VCF-style: chr11-47332072-C-T. GRCh37 (hg19) VCF-style: chr11-47353623-C-T.
Other names: p.V1272M:GTG>ATG; c.3814G>A, p.Val1272Met (LRG_386t1); short protein forms V1272M.
Identifiers: ClinVar variation 181029 (VCV000181029.4), dbSNP rs730880609, ClinGen allele CA014972.
Genomic context (GRCh38, chr11:47,332,072, plus strand): 5'-GGGTCCCCACTGCCGCCCGCTCTTCCCATCTCCCAGGCCCTGGCCCCGAGGGCTCCTCAC[C>T]TCGCACCTCCAGGCGGCACTCACACCGTGCCTCGCCCTGTAAGTTGGTGGCCCTGCAGAC-3'
Protein context (NP_000247.2, residues 1262-1274): ARCECRLEVR[Val1272Met]PQ

ClinVar aggregate classification (germline): Conflicting classifications of pathogenicity. Review status: criteria provided, conflicting classifications (1 of 4 stars). 2 submissions from 2 submitters: Likely pathogenic (1); Uncertain significance (1). Last evaluated 2020-06-04.

Conditions:
Hypertrophic cardiomyopathy 4. Also called: Familial hypertrophic cardiomyopathy 4. Identifiers: MedGen C1861862, MONDO:0007268, OMIM 115197.

Submissions (2):

GeneDx
Classification: Uncertain significance. Last evaluated: 2020-06-04. Review status: criteria provided, single submitter. Criteria: GeneDx Variant Classification Process June 2021. Collection method: clinical testing. Allele origin: germline. Affected: yes.
Comment: Not observed in large population cohorts (Lek et al., 2016); In silico analysis supports that this missense variant does not alter protein structure/function; This variant is associated with the following publications: (PMID: 25132132)

Clinical Genetics Service, Universitary Hospital 12 de Octubre
Classification: Likely pathogenic for Hypertrophic cardiomyopathy 4. Review status: criteria provided, single submitter. Criteria: ACMG Guidelines, 2015. Collection method: clinical testing. Allele origin: germline. Affected: yes.